The following is an entry in ClinVar:

NM_005228.5(EGFR):c.912C>T (p.His304=)

Gene: EGFR (epidermal growth factor receptor; plus strand). Cytogenetic location: 7p11.2.
Variant type: single nucleotide variant.
Coding change: c.912C>T on transcript NM_005228.5 (MANE Select); coding-DNA position 912, C replaced by T.
Protein change: p.His304=; no amino-acid change (histidine 304 retained).
Molecular consequence: synonymous variant.
Genome position (GRCh38, 1-based): chr7:55,155,852, C>T. VCF-style: chr7-55155852-C-T. GRCh37 (hg19) VCF-style: chr7-55223545-C-T.
Other names: c.777C>T, p.His259= (NM_001346897.2, NM_001346899.2); c.912C>T, p.His304= (NM_001346898.2, NM_201282.2, NM_201283.2 and 1 more transcripts); c.753C>T, p.His251= (NM_001346900.2); c.111C>T, p.His37= (NM_001346941.2); c.912C>T (NM_005228.4, NM_005228.3).
Identifiers: ClinVar variation 1169503 (VCV001169503.11), dbSNP rs182002674, ClinGen allele CA4265407.

ClinVar aggregate classification (germline): Benign/Likely benign. Review status: criteria provided, multiple submitters, no conflicts (2 of 4 stars). 3 submissions from 3 submitters: Benign (1); Likely benign (1). 1 of the submissions does not count toward it. Last evaluated 2026-01-26.

Conditions:
EGFR-related lung cancer (EGFR). Identifiers: MedGen CN130014.
EGFR-related disorder. Also called: EGFR-related condition.
Hereditary cancer-predisposing syndrome. Also called: Hereditary Cancer Syndrome; Hereditary neoplastic syndrome; Neoplastic Syndromes, Hereditary; Tumor predisposition. Identifiers: Orphanet 140162, MedGen C0027672, MeSH D009386, MONDO:0015356.

Allele frequency attached by ClinVar (database versions not stated): TOPMed 0.00002; gnomAD 0.00004 and 0.00007; 1000 Genomes Project 0.00040; 1000 Genomes Project 30x 0.00047.
gnomAD v4.1: 173 of 1,613,818 alleles (0.011%); highest among the groups gnomAD compares: South Asian, 0.11%; 2 homozygotes.

Submissions (3):

Labcorp Genetics (formerly Invitae), Labcorp
Classification: Benign for EGFR-related lung cancer. Last evaluated: 2026-01-26. Review status: criteria provided, single submitter. Criteria: Invitae Variant Classification Sherloc (09022015). Collection method: clinical testing. Allele origin: germline.

Ambry Genetics
Classification: Likely benign for Hereditary cancer-predisposing syndrome. Last evaluated: 2024-08-21. Review status: criteria provided, single submitter. Criteria: Ambry Variant Classification Scheme 2023. Collection method: clinical testing. Allele origin: germline.

PreventionGenetics, part of Exact Sciences
Classification: Likely benign for EGFR-related condition. Last evaluated: 2024-04-13. Review status: no assertion criteria provided. Collection method: clinical testing. Allele origin: germline. Not counted in ClinVar's aggregate classification.
Comment: This variant is classified as likely benign based on ACMG/AMP sequence variant interpretation guidelines (Richards et al. 2015 PMID: 25741868, with internal and published modifications).